The following is an entry in ClinVar:

NM_006306.4(SMC1A):c.261_272del (p.Glu87_Glu90del)

Gene: SMC1A (structural maintenance of chromosomes 1A; minus strand). Cytogenetic location: Xp11.22.
Variant type: Deletion.
Coding change: c.261_272del on transcript NM_006306.4 (MANE Select); coding-DNA positions 261 to 272, 12 bases deleted (GGGTGCTGAGGA).
Protein change: p.Glu87_Glu90del.
Molecular consequence: inframe deletion.
Genome position (GRCh38, 1-based): chrX:53,415,007-53,415,018, TCCTCAGCACCC deleted on the plus strand (GGGTGCTGAGGA on the coding strand, the reverse complement: SMC1A is on the minus strand); deleting any 12 consecutive bases within chrX:53,415,007-53,415,025 gives the same sequence; the c. name uses the placement nearest the transcript's 3' end. VCF-style (leftmost placement, unchanged base first): chrX-53415006-GTCCTCAGCACCC-G. GRCh37 (hg19) VCF-style: chrX-53441955-GTCCTCAGCACCC-G.
Other names: c.195_206del, p.Glu65_Glu68del (NM_001281463.1); c.261_272delGGGTGCTGAGGA (NM_006306.3).
Identifiers: ClinVar variation 581816 (VCV000581816.8), dbSNP rs1569359505, ClinGen allele CA891843564.

ClinVar aggregate classification (germline): Uncertain significance (1 of 4 stars; one submission).

Conditions:
Congenital muscular hypertrophy-cerebral syndrome (CDLS2). Also called: SMC1A-Related Cornelia de Lange Syndrome; Cornelia de Lange syndrome 2. Identifiers: Orphanet 199, MedGen C1802395, MONDO:0010370, OMIM 300590.

Submission:

Labcorp Genetics (formerly Invitae), Labcorp
Classification: Uncertain significance for Congenital muscular hypertrophy-cerebral syndrome. Last evaluated: 2022-11-08. Review status: criteria provided, single submitter. Criteria: Invitae Variant Classification Sherloc (09022015). Collection method: clinical testing. Allele origin: germline.
Comment: This variant, c.261_272del, results in the deletion of 4 amino acid(s) of the SMC1A protein (p.Glu87_Glu90del), but otherwise preserves the integrity of the reading frame. In summary, the available evidence is currently insufficient to determine the role of this variant in disease. Therefore, it has been classified as a Variant of Uncertain Significance. Experimental studies and prediction algorithms are not available or were not evaluated, and the functional significance of this variant is currently unknown. ClinVar contains an entry for this variant (Variation ID: 581816). This variant has not been reported in the literature in individuals affected with SMC1A-related conditions. This variant is not present in population databases (gnomAD no frequency).